The following is an entry in ClinVar:

ClinVar aggregate classification (germline): Uncertain significance (1 of 4 stars; one submission).

Submission:

Labcorp Genetics (formerly Invitae), Labcorp
Classification: Uncertain significance. Last evaluated: 2023-04-06. Review status: criteria provided, single submitter. Criteria: Invitae Variant Classification Sherloc (09022015). Collection method: clinical testing. Allele origin: germline.
Comment: This sequence change replaces arginine, which is basic and polar, with threonine, which is neutral and polar, at codon 283 of the HTRA2 protein (p.Arg283Thr). This variant is not present in population databases (gnomAD no frequency). This variant has not been reported in the literature in individuals affected with HTRA2-related conditions. Advanced modeling of protein sequence and biophysical properties (such as structural, functional, and spatial information, amino acid conservation, physicochemical variation, residue mobility, and thermodynamic stability) performed at Invitae indicates that this missense variant is not expected to disrupt HTRA2 protein function. In summary, the available evidence is currently insufficient to determine the role of this variant in disease. Therefore, it has been classified as a Variant of Uncertain Significance.

NM_013247.5(HTRA2):c.848G>C (p.Arg283Thr)

Gene: HTRA2 (HtrA serine peptidase 2; plus strand). Cytogenetic location: 2p13.1.
Variant type: single nucleotide variant.
Coding change: c.848G>C on transcript NM_013247.5 (MANE Select); coding-DNA position 848, G replaced by C.
Protein change: p.Arg283Thr; replaces arginine 283 with threonine.
Molecular consequence: missense variant. On other transcripts: non-coding transcript variant (4), intron variant (1).
Genome position (GRCh38, 1-based): chr2:74,531,047, G>C. VCF-style: chr2-74531047-G-C. GRCh37 (hg19) VCF-style: chr2-74758174-G-C.
Other names: c.848G>C, p.Arg283Thr (NM_001321727.1, NM_001321728.1); c.711+226G>C (NM_145074.2); short protein forms R283T.
Identifiers: ClinVar variation 2852554 (VCV002852554.3), dbSNP rs2529886825, ClinGen allele CA347380281.